The following is an entry in ClinVar:

ClinVar aggregate classification (germline): Uncertain significance. Review status: criteria provided, multiple submitters, no conflicts (2 of 4 stars). 3 submissions from 3 submitters: Uncertain significance (3). Last evaluated 2025-04-25.

Conditions:
Hereditary cancer-predisposing syndrome. Also called: Neoplastic Syndromes, Hereditary; Tumor predisposition; Hereditary neoplastic syndrome; Hereditary Cancer Syndrome. Identifiers: Orphanet 140162, MedGen C0027672, MeSH D009386, MONDO:0015356.
Hereditary nonpolyposis colorectal neoplasms. Identifiers: MedGen C0009405, MeSH D003123.

Submissions (3):

Ambry Genetics
Classification: Uncertain significance for Hereditary cancer-predisposing syndrome. Last evaluated: 2025-04-25. Review status: criteria provided, single submitter. Criteria: Ambry Variant Classification Scheme 2023. Collection method: clinical testing. Allele origin: germline.
Comment: The p.T663I variant (also known as c.1988C>T), located in coding exon 4 of the MSH6 gene, results from a C to T substitution at nucleotide position 1988. The threonine at codon 663 is replaced by isoleucine, an amino acid with similar properties. This amino acid position is conserved. In addition, the in silico prediction for this alteration is inconclusive. Based on the available evidence, the clinical significance of this variant remains unclear.

Color Diagnostics, LLC DBA Color Health
Classification: Uncertain significance for Hereditary cancer-predisposing syndrome. Last evaluated: 2023-12-05. Review status: criteria provided, single submitter. Criteria: ACMG Guidelines, 2015. Collection method: clinical testing. Allele origin: germline.
Comment: This missense variant replaces threonine with isoleucine at codon 663 of the MSH6 protein. Computational prediction suggests that this variant may not impact protein structure and function (internally defined REVEL score threshold <= 0.5, PMID: 27666373). To our knowledge, functional studies have not been reported for this variant. This variant has not been reported in individuals affected with MSH6-related disorders in the literature. This variant has not been identified in the general population by the Genome Aggregation Database (gnomAD). The available evidence is insufficient to determine the role of this variant in disease conclusively. Therefore, this variant is classified as a Variant of Uncertain Significance.

Labcorp Genetics (formerly Invitae), Labcorp
Classification: Uncertain significance for Hereditary nonpolyposis colorectal neoplasms. Last evaluated: 2022-04-04. Review status: criteria provided, single submitter. Criteria: Invitae Variant Classification Sherloc (09022015). Collection method: clinical testing. Allele origin: germline.
Comment: In summary, the available evidence is currently insufficient to determine the role of this variant in disease. Therefore, it has been classified as a Variant of Uncertain Significance. Advanced modeling of protein sequence and biophysical properties (such as structural, functional, and spatial information, amino acid conservation, physicochemical variation, residue mobility, and thermodynamic stability) performed at Invitae indicates that this missense variant is not expected to disrupt MSH6 protein function. ClinVar contains an entry for this variant (Variation ID: 629613). This variant has not been reported in the literature in individuals affected with MSH6-related conditions. This variant is not present in population databases (gnomAD no frequency). This sequence change replaces threonine, which is neutral and polar, with isoleucine, which is neutral and non-polar, at codon 663 of the MSH6 protein (p.Thr663Ile).

NM_000179.3(MSH6):c.1988C>T (p.Thr663Ile)

Gene: MSH6 (mutS homolog 6; plus strand). Cytogenetic location: 2p16.3.
Variant type: single nucleotide variant.
Coding change: c.1988C>T on transcript NM_000179.3 (MANE Select); coding-DNA position 1988, C replaced by T.
Protein change: p.Thr663Ile; replaces threonine 663 with isoleucine.
Molecular consequence: missense variant.
Genome position (GRCh38, 1-based): chr2:47,799,971, C>T. VCF-style: chr2-47799971-C-T. GRCh37 (hg19) VCF-style: chr2-48027110-C-T.
Other names: c.1598C>T, p.Thr533Ile (NM_001281492.2); c.1082C>T, p.Thr361Ile (NM_001281493.2, NM_001281494.2); short protein forms T663I, T533I, T361I.
Identifiers: ClinVar variation 629613 (VCV000629613.15), dbSNP rs1558663789, ClinGen allele CA346750644.